The following is an entry in ClinVar:

NM_003060.4(SLC22A5):c.292G>A (p.Glu98Lys)

Gene: SLC22A5 (solute carrier family 22 member 5; plus strand). Cytogenetic location: 5q31.1.
Variant type: single nucleotide variant.
Coding change: c.292G>A on transcript NM_003060.4 (MANE Select); coding-DNA position 292, G replaced by A.
Protein change: p.Glu98Lys; replaces glutamic acid 98 with lysine.
Molecular consequence: missense variant.
Genome position (GRCh38, 1-based): chr5:132,370,264, G>A. VCF-style: chr5-132370264-G-A. GRCh37 (hg19) VCF-style: chr5-131705956-G-A.
Other names: c.292G>A, p.Glu98Lys (NM_001308122.2); short protein forms E98K.
Identifiers: ClinVar variation 2144578 (VCV002144578.1), dbSNP rs1454499969, ClinGen allele CA360802746.

ClinVar aggregate classification (germline): Uncertain significance (1 of 4 stars; one submission).

Conditions:
Renal carnitine transport defect (CDSP). Also called: Primary carnitine deficiency; Systemic primary carnitine deficiency disease; Systemic primary carnitine deficiency; Carnitine transporter deficiency; Carnitine Deficiency, Systemic; CARNITINE DEFICIENCY, SYSTEMIC, DUE TO DEFECT IN RENAL REABSORPTION OF CARNITINE. Identifiers: Orphanet 158, MedGen C0342788, MONDO:0008919, OMIM 212140.

Allele frequency attached by ClinVar (database versions not stated): gnomAD exomes below 0.00001.

Submission:

Labcorp Genetics (formerly Invitae), Labcorp
Classification: Uncertain significance for Renal carnitine transport defect. Last evaluated: 2021-10-04. Review status: criteria provided, single submitter. Criteria: Invitae Variant Classification Sherloc (09022015). Collection method: clinical testing. Allele origin: germline.
Comment: This sequence change replaces glutamic acid with lysine at codon 98 of the SLC22A5 protein (p.Glu98Lys). The glutamic acid residue is moderately conserved and there is a small physicochemical difference between glutamic acid and lysine. This variant is not present in population databases (ExAC no frequency). This variant has not been reported in the literature in individuals affected with SLC22A5-related conditions. Advanced modeling of protein sequence and biophysical properties (such as structural, functional, and spatial information, amino acid conservation, physicochemical variation, residue mobility, and thermodynamic stability) performed at Invitae indicates that this missense variant is not expected to disrupt SLC22A5 protein function. In summary, the available evidence is currently insufficient to determine the role of this variant in disease. Therefore, it has been classified as a Variant of Uncertain Significance.